The following is an entry in ClinVar:

ClinVar aggregate classification (germline): Uncertain significance (1 of 4 stars; one submission).

Conditions:
Hereditary cancer-predisposing syndrome. Also called: Neoplastic Syndromes, Hereditary; Tumor predisposition; Hereditary Cancer Syndrome; Hereditary neoplastic syndrome. Identifiers: Orphanet 140162, MedGen C0027672, MeSH D009386, MONDO:0015356.

Submission:

Ambry Genetics
Classification: Uncertain significance for Hereditary cancer-predisposing syndrome. Last evaluated: 2026-05-06. Review status: criteria provided, single submitter. Criteria: Ambry Variant Classification Scheme 2023. Collection method: clinical testing. Allele origin: germline.
Comment: The c.1741_1742dupGC variant, located in coding exon 16 of the POLE gene, results from a duplication of GC at nucleotide position 1741, causing a translational frameshift with a predicted alternate stop codon (p.L582Pfs*30). This alteration is expected to result in loss of function by premature protein truncation or nonsense-mediated mRNA decay. Although biallelic loss of function of POLE has been associated with autosomal recessive POLE deficiency, haploinsufficiency of POLE has not been established as a mechanism of disease for POLE-related polymerase proofreading-associated polyposis (PPAP) and POLE-related CMMRD-like syndrome. Based on the supporting evidence, this variant is expected to be causative of POLE deficiency when present along with a second pathogenic variant on the other allele; however, its clinical significance for PPAP and POLE-related CMMRD-like syndrome is unclear.

NM_006231.4(POLE):c.1741_1742dup (p.Leu582fs)

Gene: POLE (DNA polymerase epsilon, catalytic subunit; minus strand). Cytogenetic location: 12q24.33.
Variant type: Duplication.
Coding change: c.1741_1742dup on transcript NM_006231.4 (MANE Select); coding-DNA positions 1741 to 1742, 2 bases duplicated (GC; older notation c.1741_1742dupGC).
Protein change: p.Leu582fs; shifts the reading frame from leucine 582.
Molecular consequence: frameshift variant.
Genome position (GRCh38, 1-based): chr12:132,672,267-132,672,268, GC duplicated on the plus strand (GC on the coding strand, the reverse complement: POLE is on the minus strand); duplicating any 2 consecutive bases within chr12:132,672,267-132,672,269 gives the same sequence; the c. name uses the placement nearest the transcript's 3' end. VCF-style (leftmost placement, unchanged base first): chr12-132672266-G-GGC. GRCh37 (hg19) VCF-style: chr12-133248852-G-GGC.
Other names: short protein forms L582fs.
Identifiers: ClinVar variation 4862285 (VCV004862285.1).
Genomic context (GRCh38, chr12:132,672,266, plus strand): 5'-GATGGTTACCTCTTCAAAGTTGGTGACTTGCTCCACAGGCACTTTCTCCTCTTCCTCAAG[G>GGC]GCGTGGCGCAAGGTCTTCTCAACCCGCTGCAGCAGGAAGTCAAAGGCGGCAGGATTCTAG-3'